The following is an entry in ClinVar:

NM_004208.4(AIFM1):c.1036G>A (p.Glu346Lys)

Genes: AIFM1 (apoptosis inducing factor mitochondria associated 1; minus strand), RAB33A (RAB33A, member RAS oncogene family; plus strand). Cytogenetic location: Xq26.1.
Variant type: single nucleotide variant.
Coding change: c.1036G>A on transcript NM_004208.4 (MANE Select); coding-DNA position 1036, G replaced by A.
Protein change: p.Glu346Lys; replaces glutamic acid 346 with lysine.
Molecular consequence: missense variant. On other transcripts: 3 prime UTR variant (1), non-coding transcript variant (1).
Genome position (GRCh38, 1-based): chrX:130,137,117, C>T on the plus strand (G>A on the coding strand, the complement: AIFM1 is on the minus strand). VCF-style: chrX-130137117-C-T. GRCh37 (hg19) VCF-style: chrX-129271092-C-T.
Other names: p.Glu346Lys; c.19G>A, p.Glu7Lys (NM_001130846.4); c.*264G>A (NM_001130847.4); c.1024G>A, p.Glu342Lys (NM_145812.3); short protein forms E346K, E342K, E7K.
Identifiers: ClinVar variation 518002 (VCV000518002.14), dbSNP rs746856770, ClinGen allele CA10515346.

ClinVar aggregate classification (germline): Conflicting classifications of pathogenicity. Review status: criteria provided, conflicting classifications (1 of 4 stars). 5 submissions from 5 submitters: Uncertain significance (2); Likely benign (3). Last evaluated 2026-08-01.

Conditions:
Combined oxidative phosphorylation deficiency. Identifiers: MedGen C4540031, MONDO:0000732.
Charcot-Marie-Tooth Neuropathy X. Identifiers: MedGen CN118851.
Inborn genetic diseases. Identifiers: MedGen C0950123, MeSH D030342.

Allele frequency attached by ClinVar (database versions not stated): ExAC 0.00002; gnomAD 0.00004; gnomAD exomes 0.00005; TOPMed 0.00006.
gnomAD v4.1: 37 of 1,209,268 alleles (0.0031%); highest among the groups gnomAD compares: Admixed American, 0.026%; no homozygotes.

Submissions (5):

CeGaT Center for Human Genetics Tuebingen
Classification: Likely benign. Last evaluated: 2026-08-01. Review status: criteria provided, single submitter. Criteria: CeGaT Center For Human Genetics Tuebingen Variant Classification Criteria Version 2. Collection method: clinical testing. Allele origin: germline. Affected: yes. Observed: 1 variant allele.
Comment: AIFM1: BS2

Labcorp Genetics (formerly Invitae), Labcorp
Classification: Likely benign for Charcot-Marie-Tooth Neuropathy X; Combined oxidative phosphorylation deficiency. Last evaluated: 2025-09-23. Review status: criteria provided, single submitter. Criteria: Invitae Variant Classification Sherloc (09022015). Collection method: clinical testing. Allele origin: germline.

Mayo Clinic Laboratories, Mayo Clinic
Classification: Uncertain significance. Last evaluated: 2024-01-04. Review status: criteria provided, single submitter. Criteria: ACMG Guidelines, 2015. Collection method: clinical testing. Allele origin: germline. Observed: 1 variant allele.
Comment: BS2

Ambry Genetics
Classification: Uncertain significance for Inborn genetic diseases. Last evaluated: 2020-12-19. Review status: criteria provided, single submitter. Criteria: Ambry Variant Classification Scheme 2023. Collection method: clinical testing. Allele origin: germline.
Comment: The p.E346K variant (also known as c.1036G>A), located in coding exon 10 of the AIFM1 gene, results from a G to A substitution at nucleotide position 1036. The glutamic acid at codon 346 is replaced by lysine, an amino acid with similar properties. Based on data from gnomAD, the A allele has an overall frequency of 0.005% (9/183376) total alleles studied, with 1 hemizygote observed. The highest observed frequency was 0.03% (7/27431) in the Latino/Admixed American subpopulation, with 1 hemizygote observed. This amino acid position is highly conserved in available vertebrate species. In addition, the in silico prediction for this alteration is inconclusive. Since supporting evidence is limited at this time, the clinical significance of this alteration remains unclear.

GeneDx
Classification: Likely benign. Last evaluated: 2018-02-12. Review status: criteria provided, single submitter. Criteria: GeneDx Variant Classification (06012015). Collection method: clinical testing. Allele origin: germline. Affected: yes.
Comment: This variant is considered likely benign or benign based on one or more of the following criteria: it is a conservative change, it occurs at a poorly conserved position in the protein, it is predicted to be benign by multiple in silico algorithms, and/or has population frequency not consistent with disease.